The following is an entry in ClinVar:

ClinVar aggregate classification (germline): Likely benign (1 of 4 stars; one submission).

Conditions:
KIDINS220-related disorder. Also called: KIDINS220-related condition.

gnomAD v4.1: 1 of 1,564,854 alleles (0.000064%); highest among the groups gnomAD compares: Admixed American, 0.0018%; no homozygotes.

Submission:

PreventionGenetics, part of Exact Sciences
Classification: Likely benign for KIDINS220-related condition. Last evaluated: 2026-03-19. Review status: criteria provided, single submitter. Criteria: ACMG Guidelines, 2015. Collection method: clinical testing. Allele origin: germline.
Comment: This variant is classified as likely benign based on ACMG/AMP sequence variant interpretation guidelines (Richards et al. 2015 PMID: 25741868, with internal and published modifications).

NM_020738.4(KIDINS220):c.603+8T>A

Gene: KIDINS220 (kinase D interacting substrate 220; minus strand). Cytogenetic location: 2p25.1.
Variant type: single nucleotide variant.
Coding change: c.603+8T>A on transcript NM_020738.4 (MANE Select); 8 bases into the intron after coding-DNA position 603, T replaced by A.
Molecular consequence: intron variant.
Genome position (GRCh38, 1-based): chr2:8,806,263, A>T on the plus strand (T>A on the coding strand, the complement: KIDINS220 is on the minus strand). VCF-style: chr2-8806263-A-T. GRCh37 (hg19) VCF-style: chr2-8946393-A-T.
Other names: c.603+8T>A (NM_001348741.2, NM_001348738.2, NM_001348742.2 and 3 more transcripts); c.606+8T>A (NM_001348739.2, NM_001348740.2, NM_001348734.2 and 3 more transcripts); c.477+8T>A (NM_001348736.2).
Identifiers: ClinVar variation 4986595 (VCV004986595.1).
Genomic context (GRCh38, chr2:8,806,263, plus strand): 5'-AATAAATTCTCTCTCTTAAAATAAAAAACATGTTTCTATTGCCAAGCATTAAAATATAAG[A>T]TACTTACAGCTCCTTCTTGATCCACATCAGCTCCCATGGCCAATAAATGTTTCACACATT-3'